The following is an entry in ClinVar:

ClinVar aggregate classification (germline): Benign. Review status: criteria provided, multiple submitters, no conflicts (2 of 4 stars). 14 submissions from 10 submitters: Benign (13). 1 of the submissions does not count toward it. Last evaluated 2026-02-04.

Conditions:
Autosomal recessive limb-girdle muscular dystrophy type 2Q (LGMDR17). Also called: MUSCULAR DYSTROPHY, LIMB-GIRDLE, AUTOSOMAL RECESSIVE 17. Identifiers: Orphanet 254361, MedGen C3150989, MONDO:0013390, OMIM 613723.
Epidermolysis bullosa simplex 5C, with pyloric atresia (EBS5C). Also called: PLEC-Related Epidermolysis Bullosa with Pyloric Atresia; Epidermolysis bullosa simplex with pyloric atresia; PLEC1-Related Epidermolysis Bullosa with Pyloric Atresia. Identifiers: Orphanet 158684, MedGen C2677349, MONDO:0012807, OMIM 612138.
Epidermolysis bullosa simplex 5B, with muscular dystrophy (EBS5B). Also called: EPIDERMOLYSIS BULLOSA SIMPLEX AND LIMB-GIRDLE MUSCULAR DYSTROPHY; Epidermolysis bullosa simplex with muscular dystrophy. Identifiers: Orphanet 257, MedGen C2931072, MONDO:0009181, OMIM 226670.
Epidermolysis bullosa simplex with nail dystrophy (EBS5D). Identifiers: MedGen C4225309, MONDO:0014661, OMIM 616487.
Epidermolysis bullosa simplex, Ogna type (EBS5A). Also called: EPIDERMOLYSIS BULLOSA SIMPLEX 5A, OGNA TYPE; Pidermolysis bullosa simplex 5A, Ogna type. Identifiers: Orphanet 79401, MedGen C0432317, MONDO:0007555, OMIM 131950.

Allele frequency attached by ClinVar (database versions not stated): 1000 Genomes Project 30x 0.22861; 1000 Genomes Project 0.23083; ESP Exome Variant Server 0.26992; TOPMed 0.28085; gnomAD 0.29794 and 0.29985; ExAC 0.36315.
gnomAD v4.1: 615,082 of 1,588,440 alleles (39%); highest among the groups gnomAD compares: Non-Finnish European, 42%; 125,416 homozygotes.

Submissions (14):

Labcorp Genetics (formerly Invitae), Labcorp
Classification: Benign for Autosomal recessive limb-girdle muscular dystrophy type 2Q; Epidermolysis bullosa simplex, Ogna type; Epidermolysis bullosa simplex with nail dystrophy; Epidermolysis bullosa simplex 5C, with pyloric atresia; Epidermolysis bullosa simplex 5B, with muscular dystrophy. Last evaluated: 2026-02-04. Review status: criteria provided, single submitter. Criteria: Invitae Variant Classification Sherloc (09022015). Collection method: clinical testing. Allele origin: germline.

Blueprint Genetics
Classification: Benign. Last evaluated: 2024-11-27. Review status: criteria provided, single submitter. Criteria: ACMG Guidelines, 2015. Collection method: clinical testing. Allele origin: germline.

Genome-Nilou Lab
Classification: Benign for Epidermolysis bullosa simplex with nail dystrophy. Last evaluated: 2021-10-25. Review status: criteria provided, single submitter. Criteria: ACMG Guidelines, 2015. Collection method: clinical testing. Allele origin: germline. Affected: no.

Genome-Nilou Lab
Classification: Benign for Epidermolysis bullosa simplex, Ogna type. Last evaluated: 2021-10-25. Review status: criteria provided, single submitter. Criteria: ACMG Guidelines, 2015. Collection method: clinical testing. Allele origin: germline. Affected: no.

Genome-Nilou Lab
Classification: Benign for Epidermolysis bullosa simplex 5B, with muscular dystrophy. Last evaluated: 2021-10-25. Review status: criteria provided, single submitter. Criteria: ACMG Guidelines, 2015. Collection method: clinical testing. Allele origin: germline. Affected: no.

Genome-Nilou Lab
Classification: Benign for Epidermolysis bullosa simplex 5C, with pyloric atresia. Last evaluated: 2021-10-25. Review status: criteria provided, single submitter. Criteria: ACMG Guidelines, 2015. Collection method: clinical testing. Allele origin: germline. Affected: no.

Genome-Nilou Lab
Classification: Benign for Autosomal recessive limb-girdle muscular dystrophy type 2Q. Last evaluated: 2021-10-25. Review status: criteria provided, single submitter. Criteria: ACMG Guidelines, 2015. Collection method: clinical testing. Allele origin: germline. Affected: no.

Mayo Clinic Laboratories, Mayo Clinic
Classification: Benign. Last evaluated: 2017-07-24. Review status: criteria provided, single submitter. Criteria: ACMG Guidelines, 2015. Collection method: clinical testing. Allele origin: germline. Observed: 784 variant alleles.

GeneDx
Classification: Benign. Last evaluated: 2015-03-03. Review status: criteria provided, single submitter. Criteria: GeneDx Variant Classification Process June 2021. Collection method: clinical testing. Allele origin: germline. Affected: yes.

Laboratory for Molecular Medicine, Mass General Brigham Personalized Medicine
Classification: Benign. Last evaluated: 2015-01-13. Review status: criteria provided, single submitter. Criteria: LMM Criteria. Collection method: clinical testing. Allele origin: germline. Observed: 9 variant alleles.
Comment: p.Ala2113Ala in exon 31 of PLEC: This variant is not expected to have clinical s ignificance because it does not alter an amino acid residue and is not located w ithin the splice consensus sequence. It has been identified in 36.7% (2901/7894) of European American chromosomes from a broad population by the NHLBI Exome Seq uencing Project (dbSNP rs1140522).

Eurofins Ntd Llc (ga)
Classification: Benign. Last evaluated: 2013-04-18. Review status: criteria provided, single submitter. Criteria: EGL Classification Definitions 2015. Collection method: clinical testing. Allele origin: germline. Observed: 17 variant alleles, 15 heterozygotes, 2 homozygotes.

Breakthrough Genomics
Classification: Benign. Review status: criteria provided, single submitter. Criteria: ACMG Guidelines, 2015. Collection method: not provided. Allele origin: germline. Inheritance: Autosomal recessive inheritance. Affected: yes.

PreventionGenetics, part of Exact Sciences
Classification: Benign. Review status: criteria provided, single submitter. Criteria: ACMG Guidelines, 2015. Collection method: clinical testing. Allele origin: germline.

Genetic Services Laboratory, University of Chicago
Classification: Likely benign for AllHighlyPenetrant. Review status: no assertion criteria provided. Collection method: clinical testing. Allele origin: germline. Inheritance: Autosomal recessive inheritance. Not counted in ClinVar's aggregate classification.
Comment: Likely benign based on allele frequency in 1000 Genomes Project or ESP global frequency and its presence in a patient with a rare or unrelated disease phenotype. NOT Sanger confirmed.

NM_201384.3(PLEC):c.5928G>A (p.Ala1976=)

Gene: PLEC (plectin; minus strand). Cytogenetic location: 8q24.3.
Variant type: single nucleotide variant.
Coding change: c.5928G>A on transcript NM_201384.3 (MANE Select); coding-DNA position 5928, G replaced by A.
Protein change: p.Ala1976=; no amino-acid change (alanine 1976 retained).
Molecular consequence: synonymous variant.
Genome position (GRCh38, 1-based): chr8:143,924,001, C>T on the plus strand (G>A on the coding strand, the complement: PLEC is on the minus strand). VCF-style: chr8-143924001-C-T. GRCh37 (hg19) VCF-style: chr8-144998169-C-T.
Other names: p.Ala1962=; c.6009G>A, p.Ala2003= (NM_000445.5); c.5886G>A, p.Ala1962= (NM_201378.4); c.5862G>A, p.Ala1954= (NM_201379.3); c.6339G>A, p.Ala2113= (NM_201380.4); c.5832G>A, p.Ala1944= (NM_201381.3); c.5928G>A, p.Ala1976= (NM_201382.4); c.5940G>A, p.Ala1980= (NM_201383.3).
Identifiers: ClinVar variation 93068 (VCV000093068.28), dbSNP rs1140522, ClinGen allele CA146473.